The following is an entry in ClinVar:

ClinVar aggregate classification (germline): Conflicting classifications of pathogenicity. Review status: criteria provided, conflicting classifications (1 of 4 stars). 2 submissions from 2 submitters: Uncertain significance (1); Likely benign (1). Last evaluated 2025-10-07.

Conditions:
Hereditary cancer-predisposing syndrome. Also called: Hereditary Cancer Syndrome; Neoplastic Syndromes, Hereditary; Tumor predisposition; Hereditary neoplastic syndrome. Identifiers: Orphanet 140162, MedGen C0027672, MeSH D009386, MONDO:0015356.
EGFR-related lung cancer (EGFR). Identifiers: MedGen CN130014.

gnomAD v4.1: 3 of 1,614,204 alleles (0.00019%); highest among the groups gnomAD compares: Non-Finnish European, 0.00017%; no homozygotes.

Submissions (2):

Labcorp Genetics (formerly Invitae), Labcorp
Classification: Uncertain significance for EGFR-related lung cancer. Last evaluated: 2025-10-07. Review status: criteria provided, single submitter. Criteria: Invitae Variant Classification Sherloc (09022015). Collection method: clinical testing. Allele origin: germline.
Comment: This sequence change replaces phenylalanine, which is neutral and non-polar, with leucine, which is neutral and non-polar, at codon 1177 of the EGFR protein (p.Phe1177Leu). This variant is not present in population databases (gnomAD no frequency). This variant has not been reported in the literature in individuals affected with EGFR-related conditions. ClinVar contains an entry for this variant (Variation ID: 1021051). An algorithm developed to predict the effect of missense changes on protein structure and function outputs the following: PolyPhen-2: "Benign". The leucine amino acid residue is found in multiple mammalian species, which suggests that this missense change does not adversely affect protein function. In summary, the available evidence is currently insufficient to determine the role of this variant in disease. Therefore, it has been classified as a Variant of Uncertain Significance.

Ambry Genetics
Classification: Likely benign for Hereditary cancer-predisposing syndrome. Last evaluated: 2024-12-16. Review status: criteria provided, single submitter. Criteria: Ambry Variant Classification Scheme 2023. Collection method: clinical testing. Allele origin: germline.

NM_005228.5(EGFR):c.3529T>C (p.Phe1177Leu)

Gene: EGFR (epidermal growth factor receptor; plus strand). Cytogenetic location: 7p11.2.
Variant type: single nucleotide variant.
Coding change: c.3529T>C on transcript NM_005228.5 (MANE Select); coding-DNA position 3529, T replaced by C.
Protein change: p.Phe1177Leu; replaces phenylalanine 1177 with leucine.
Molecular consequence: missense variant.
Genome position (GRCh38, 1-based): chr7:55,205,513, T>C. VCF-style: chr7-55205513-T-C. GRCh37 (hg19) VCF-style: chr7-55273206-T-C.
Other names: c.3529T>C (NM_005228.3); c.3394T>C, p.Phe1132Leu (NM_001346899.2); c.3370T>C, p.Phe1124Leu (NM_001346900.2); c.2728T>C, p.Phe910Leu (NM_001346941.2); short protein forms F1124L, F1132L, F1177L, F910L.
Identifiers: ClinVar variation 1021051 (VCV001021051.6), dbSNP rs1788074933, ClinGen allele CA367584829.